The following is an entry in ClinVar:

ClinVar aggregate classification (germline): Uncertain significance (1 of 4 stars; one submission).

gnomAD v4.1: 1 of 1,613,776 alleles (0.000062%); highest among the groups gnomAD compares: Non-Finnish European, 0.000085%; no homozygotes.

Submission:

Women's Health and Genetics/Laboratory Corporation of America, LabCorp
Classification: Uncertain significance. Last evaluated: 2025-04-02. Review status: criteria provided, single submitter. Criteria: LabCorp Variant Classification Summary - May 2015. Collection method: clinical testing. Allele origin: germline.
Comment: Variant summary: ABCC8 c.3788C>G (p.Ala1263Gly) results in a non-conservative amino acid change in the encoded protein sequence. Three of five in-silico tools predict a benign effect of the variant on protein function. The frequency data for this variant in gnomAD is considered unreliable, as metrics indicate poor data quality at this position. To our knowledge, no occurrence of c.3788C>G in individuals affected with Familial Hyperinsulinism and no experimental evidence demonstrating its impact on protein function have been reported. No submitters have cited clinical-significance assessments for this variant to ClinVar. Based on the evidence outlined above, the variant was classified as uncertain significance.

NM_000352.6(ABCC8):c.3788C>G (p.Ala1263Gly)

Gene: ABCC8 (ATP binding cassette subfamily C member 8; minus strand). Cytogenetic location: 11p15.1.
Variant type: single nucleotide variant.
Coding change: c.3788C>G on transcript NM_000352.6 (MANE Select); coding-DNA position 3788, C replaced by G.
Protein change: p.Ala1263Gly; replaces alanine 1263 with glycine.
Molecular consequence: missense variant. On other transcripts: non-coding transcript variant (1).
Genome position (GRCh38, 1-based): chr11:17,397,763, G>C on the plus strand (C>G on the coding strand, the complement: ABCC8 is on the minus strand). VCF-style: chr11-17397763-G-C. GRCh37 (hg19) VCF-style: chr11-17419310-G-C.
Other names: c.3791C>G, p.Ala1264Gly (NM_001287174.3); c.3854C>G, p.Ala1285Gly (NM_001351295.2); c.3788C>G, p.Ala1263Gly (NM_001351296.2); c.3785C>G, p.Ala1262Gly (NM_001351297.2); short protein forms A1262G, A1263G, A1264G, A1285G.
Identifiers: ClinVar variation 3896560 (VCV003896560.2).
Genomic context (GRCh38, chr11:17,397,763, plus strand): 5'-CCCAGGCCCACCAGGCCAGCAGAGAGCTCCCTGTGCAGGGAGTTGGAGATGGAGGTCACC[G>C]CTGCGATGAGCACCACACATGCACCGATGTACTCCTGGGGAGGGAGAGGAGCTGACCTGG-3'
Protein context (NP_000343.2, residues 1253-1273): YIGACVVLIA[Ala1263Gly]VTSISNSLHR